The following is an entry in ClinVar:

ClinVar aggregate classification (germline): Pathogenic (1 of 4 stars; one submission).

Conditions:
Duchenne muscular dystrophy (DMD). Also called: Duchenne Muscular Dystrophy (DMD); MUSCULAR DYSTROPHY, PSEUDOHYPERTROPHIC PROGRESSIVE, DUCHENNE TYPE. Identifiers: Orphanet 98896, MedGen C0013264, MONDO:0010679, OMIM 310200.

Submission:

Labcorp Genetics (formerly Invitae), Labcorp
Classification: Pathogenic for Duchenne muscular dystrophy. Last evaluated: 2015-11-26. Review status: criteria provided, single submitter. Criteria: Invitae Variant Classification Sherloc (09022015). Collection method: clinical testing. Allele origin: germline.
Comment: This variant is a gross deletion of the genomic region encompassing exons 53_76 of the DMD gene. This is a predicted in frame deletion that is expected to delete amino acids 2554 to 3640 of the DMD protein. For these reasons, this variant has been classified as Pathogenic.

NM_004006.2(DMD):c.7661-?_10921+?del

Gene: DMD (dystrophin; minus strand).
Variant type: Deletion.
Coding change: c.7661-?_10921+?del on transcript NM_004006.2.
Other names: c.7661-?_10921+?del (LRG_199t1).
Identifiers: ClinVar variation 254035 (VCV000254035.1).